The following is an entry in ClinVar:

ClinVar aggregate classification (germline): Pathogenic/Likely pathogenic. Review status: criteria provided, multiple submitters, no conflicts (2 of 4 stars). 3 submissions from 3 submitters: Pathogenic (2); Likely pathogenic (1). Last evaluated 2024-08-08.

Conditions:
Osteogenesis imperfecta (OI). Identifiers: Orphanet 666, MedGen C0029434, MeSH D010013, MONDO:0019019.
Osteogenesis imperfecta type I (OI1). Also called: OI, TYPE I; OSTEOGENESIS IMPERFECTA TARDA; OSTEOGENESIS IMPERFECTA WITH BLUE SCLERAE; Osteogenesis imperfecta type 1; Lobstein's Disease; Lobstein disease. Identifiers: Orphanet 216796, Orphanet 666, MedGen C0023931, MONDO:0008146, OMIM 166200. Disease mechanism: loss of function.

Submissions (3):

Labcorp Genetics (formerly Invitae), Labcorp
Classification: Pathogenic for Osteogenesis imperfecta type I. Last evaluated: 2024-08-08. Review status: criteria provided, single submitter. Criteria: Invitae Variant Classification Sherloc (09022015). Collection method: clinical testing. Allele origin: germline.
Comment: This sequence change replaces glycine, which is neutral and non-polar, with cysteine, which is neutral and slightly polar, at codon 857 of the COL1A1 protein (p.Gly857Cys). This variant is not present in population databases (gnomAD no frequency). This missense change has been observed in individuals with osteogenesis imperfecta (PMID: 17078022, 32123938). ClinVar contains an entry for this variant (Variation ID: 870106). Advanced modeling of protein sequence and biophysical properties (such as structural, functional, and spatial information, amino acid conservation, physicochemical variation, residue mobility, and thermodynamic stability) performed at Invitae indicates that this missense variant is expected to disrupt COL1A1 protein function with a positive predictive value of 95%. This variant disrupts the triple helix domain of COL1A1. Glycine residues within the Gly-Xaa-Yaa repeats of the triple helix domain are required for the structure and stability of fibrillar collagens (PMID: 7695699, 8218237, 19344236). In COL1A1, variants affecting these glycine residues are significantly enriched in individuals with disease (PMID: 9016532, 17078022) compared to the general population (ExAC). For these reasons, this variant has been classified as Pathogenic.

Victorian Clinical Genetics Services, Murdoch Childrens Research Institute
Classification: Pathogenic for Osteogenesis imperfecta type I. Last evaluated: 2022-03-31. Review status: criteria provided, single submitter. Criteria: ACMG Guidelines, 2015. Collection method: clinical testing. Allele origin: germline. Inheritance: Autosomal dominant inheritance. Affected: yes.
Comment: Based on the classification scheme VCGS_Germline_v1.3.4, this variant is classified as Pathogenic. Following criteria are met: 0103 - Dominant negative and loss of function are known mechanisms of disease in this gene and are associated with Osteogenesis imperfect types I-IV, and other conditions (OMIM). Variants resulting in a truncated protein are known to have a loss of function effect on protein, while missense variants affecting the G-X-Y of a triple helix motif, have a dominant negative effect (PMID:27509835, PMID:12362985). (I) 0107 - This gene is associated with autosomal dominant disease. (I) 0115 - Variants in this gene are known to have variable expressivity (GeneReviews). (I) 0200 - Variant is predicted to result in a missense amino acid change from glycine to cysteine. (I) 0251 - This variant is heterozygous. (I) 0301 - Variant is absent from gnomAD (both v2 and v3). (SP) 0501 - Missense variant consistently predicted to be damaging by multiple in silico tools or highly conserved with a major amino acid change. (SP) 0601 - Variant is located in the well-established functional collagen domain within a GXY motif of the triple helix (DECIPHER). (SP) 0705 - No comparable missense variants have previous evidence for pathogenicity. (I) 0801 - This variant has strong previous evidence of pathogenicity in unrelated individuals. This variant has been reported in at least 5 patients with osteogenesis imperfecta (PMIDs: 17078022, 25742658, 27509835, 29499418; LOVD-Osteogenesis Imperfecta Variant Database). (SP) 1102 - Strong phenotype match for this individual. (SP) Legend: (SP) - Supporting pathogenic, (I) - Information, (SB) - Supporting benign

Genetics Department, Polish Mother's Memorial Hospital Research Institute
Classification: Likely pathogenic for Osteogenesis imperfecta. Last evaluated: 2020-04-06. Review status: criteria provided, single submitter. Criteria: ACMG Guidelines, 2015. Collection method: research. Allele origin: unknown. Affected: yes. Observed: 1 variant allele.
Comment: Until now patient's parents were not available for clinical testing.

Literature cited by the submitters: PubMed 17078022 (cited by Labcorp Genetics (formerly Invitae), Labcorp and Victorian Clinical Genetics Services, Murdoch Childrens Research Institute); PubMed 32123938 (cited by Labcorp Genetics (formerly Invitae), Labcorp); PubMed 7695699 (cited by Labcorp Genetics (formerly Invitae), Labcorp); PubMed 8218237 (cited by Labcorp Genetics (formerly Invitae), Labcorp); PubMed 19344236 (cited by Labcorp Genetics (formerly Invitae), Labcorp); PubMed 9016532 (cited by Labcorp Genetics (formerly Invitae), Labcorp); PubMed 12362985 (cited by Victorian Clinical Genetics Services, Murdoch Childrens Research Institute); PubMed 25742658 (cited by Victorian Clinical Genetics Services, Murdoch Childrens Research Institute); PubMed 27509835 (cited by Victorian Clinical Genetics Services, Murdoch Childrens Research Institute); PubMed 29499418 (cited by Victorian Clinical Genetics Services, Murdoch Childrens Research Institute).

NM_000088.4(COL1A1):c.2569G>T (p.Gly857Cys)

Gene: COL1A1 (collagen type I alpha 1 chain; minus strand). Cytogenetic location: 17q21.33.
Variant type: single nucleotide variant.
Coding change: c.2569G>T on transcript NM_000088.4 (MANE Select); coding-DNA position 2569, G replaced by T.
Protein change: p.Gly857Cys; replaces glycine 857 with cysteine.
Molecular consequence: missense variant.
Genome position (GRCh38, 1-based): chr17:50,189,903, C>A on the plus strand (G>T on the coding strand, the complement: COL1A1 is on the minus strand). VCF-style: chr17-50189903-C-A. GRCh37 (hg19) VCF-style: chr17-48267264-C-A.
Other names: short protein forms G857C.
Identifiers: ClinVar variation 870106 (VCV000870106.5), dbSNP rs72653141, ClinGen allele CA291543270.
Genomic context (GRCh38, chr17:50,189,903, plus strand): 5'-GGCGGGTGATACTCACAGGGGGACCAGCGCTGCCGCGAGCACCTTTGGCTCCAGGAGCAC[C>A]AACATTACCCTGTAGGAGAGCACAGAGGCATCAAGCCTGGACCCGTCCTGGGTCCCAGCC-3'
Protein context (NP_000079.2, residues 847-867): AGPPGPIGNV[Gly857Cys]APGAKGARGS